The following is an entry in ClinVar:

ClinVar aggregate classification (germline): Uncertain significance (1 of 4 stars; one submission).

Submission:

Labcorp Genetics (formerly Invitae), Labcorp
Classification: Uncertain significance. Last evaluated: 2023-07-26. Review status: criteria provided, single submitter. Criteria: Invitae Variant Classification Sherloc (09022015). Collection method: clinical testing. Allele origin: unknown.
Comment: Experimental studies and prediction algorithms are not available or were not evaluated, and the functional significance of this variant is currently unknown. In summary, the available evidence is currently insufficient to determine the role of this variant in disease. Therefore, it has been classified as a Variant of Uncertain Significance. This variant has not been reported in the literature in individuals affected with TRIOBP-related conditions. This variant is a gross deletion of the genomic region encompassing exon(s) 10-11 of the TRIOBP gene. This variant would be expected to be in-frame, preserving the integrity of the reading frame.

NC_000022.10:g.(?_38134629)_(38137059_?)del

Gene: TRIOBP (TRIO and F-actin binding protein; plus strand). Cytogenetic location: 22q13.1.
Variant type: Deletion.
Identifiers: ClinVar variation 3248051 (VCV003248051.1).